The following is an entry in ClinVar:

NM_001134363.3(RBM20):c.539C>T (p.Pro180Leu)

Gene: RBM20 (RNA binding motif protein 20; plus strand). Cytogenetic location: 10q25.2.
Variant type: single nucleotide variant.
Coding change: c.539C>T on transcript NM_001134363.3 (MANE Select); coding-DNA position 539, C replaced by T.
Protein change: p.Pro180Leu; replaces proline 180 with leucine.
Molecular consequence: missense variant.
Genome position (GRCh38, 1-based): chr10:110,781,148, C>T. VCF-style: chr10-110781148-C-T. GRCh37 (hg19) VCF-style: chr10-112540906-C-T.
Other names: short protein forms P180L.
Identifiers: ClinVar variation 4706759 (VCV004706759.1).

ClinVar aggregate classification (germline): Uncertain significance (1 of 4 stars; one submission).

Conditions:
Dilated cardiomyopathy 1DD (CMD1DD). Identifiers: Orphanet 154, MedGen C2750995, MONDO:0013168, OMIM 613172.

Submission:

Labcorp Genetics (formerly Invitae), Labcorp
Classification: Uncertain significance for Dilated cardiomyopathy 1DD. Last evaluated: 2025-09-03. Review status: criteria provided, single submitter. Criteria: Invitae Variant Classification Sherloc (09022015). Collection method: clinical testing. Allele origin: germline.
Comment: This sequence change replaces proline, which is neutral and non-polar, with leucine, which is neutral and non-polar, at codon 180 of the RBM20 protein (p.Pro180Leu). This variant is not present in population databases (gnomAD no frequency). This variant has not been reported in the literature in individuals affected with RBM20-related conditions. Invitae Evidence Modeling of protein sequence and biophysical properties (such as structural, functional, and spatial information, amino acid conservation, physicochemical variation, residue mobility, and thermodynamic stability) indicates that this missense variant is not expected to disrupt RBM20 protein function with a negative predictive value of 95%. In summary, the available evidence is currently insufficient to determine the role of this variant in disease. Therefore, it has been classified as a Variant of Uncertain Significance.